The following is an entry in ClinVar:

NM_194454.3(KRIT1):c.1914A>G (p.Ala638=)

Gene: KRIT1 (KRIT1 ankyrin repeat containing; minus strand). Cytogenetic location: 7q21.2.
Variant type: single nucleotide variant.
Coding change: c.1914A>G on transcript NM_194454.3 (MANE Select); coding-DNA position 1914, A replaced by G.
Protein change: p.Ala638=; no amino-acid change (alanine 638 retained).
Molecular consequence: synonymous variant.
Genome position (GRCh38, 1-based): chr7:92,213,306, T>C on the plus strand (A>G on the coding strand, the complement: KRIT1 is on the minus strand). VCF-style: chr7-92213306-T-C. GRCh37 (hg19) VCF-style: chr7-91842620-T-C.
Other names: p.Ala638=; c.1770A>G, p.Ala590= (NM_001013406.2, NM_001350669.1, NM_001350670.1); c.1200A>G, p.Ala400= (NM_001350671.1); c.1914A>G, p.Ala638= (NM_001350672.1, NM_001350673.1, NM_001350674.1 and 26 more transcripts).
Identifiers: ClinVar variation 735765 (VCV000735765.8), dbSNP rs146106391, ClinGen allele CA4339002.

ClinVar aggregate classification (germline): Likely benign. Review status: criteria provided, multiple submitters, no conflicts (2 of 4 stars). 2 submissions from 2 submitters: Likely benign (2). Last evaluated 2025-12-19.

Conditions:
Cerebral cavernous malformation (CCM). Also called: Cerebral cavernous malformations; Cavernous Hemangioma of Brain; Cerebral cavernous hemangioma (type); CAVERNOUS ANGIOMA, FAMILIAL; CAVERNOUS ANGIOMATOUS MALFORMATIONS; CEREBRAL CAPILLARY MALFORMATIONS. Identifiers: Orphanet 221061, MedGen C2919945, MONDO:0000820, OMIM 116860, HP:0033522.

Allele frequency attached by ClinVar (database versions not stated): TOPMed 0.00026; ESP Exome Variant Server 0.00046; gnomAD exomes 0.00002 and 0.00006; ExAC 0.00007; 1000 Genomes Project 30x 0.00016; gnomAD 0.00017 and 0.00019; 1000 Genomes Project 0.00020.
gnomAD v4.1: 58 of 1,613,564 alleles (0.0036%); highest among the groups gnomAD compares: African/African-American, 0.051%; no homozygotes.

Submissions (2):

Labcorp Genetics (formerly Invitae), Labcorp
Classification: Likely benign for Cerebral cavernous malformation. Last evaluated: 2025-12-19. Review status: criteria provided, single submitter. Criteria: Invitae Variant Classification Sherloc (09022015). Collection method: clinical testing. Allele origin: germline.

Mayo Clinic Laboratories, Mayo Clinic
Classification: Likely benign. Last evaluated: 2025-04-08. Review status: criteria provided, single submitter. Criteria: ACMG Guidelines, 2015. Collection method: clinical testing. Allele origin: germline. Observed: 1 variant allele.
Comment: BP4, BP7